The following is an entry in ClinVar:

NM_001330723.2(SNX27):c.1067C>A (p.Thr356Asn)

Gene: SNX27 (sorting nexin 27; plus strand). Cytogenetic location: 1q21.3.
Variant type: single nucleotide variant.
Coding change: c.1067C>A on transcript NM_001330723.2 (MANE Select); coding-DNA position 1067, C replaced by A.
Protein change: p.Thr356Asn; replaces threonine 356 with asparagine.
Molecular consequence: missense variant.
Genome position (GRCh38, 1-based): chr1:151,668,553, C>A. VCF-style: chr1-151668553-C-A. GRCh37 (hg19) VCF-style: chr1-151641029-C-A.
Other names: c.1067C>A, p.Thr356Asn (NM_030918.6); short protein forms T356N.
Identifiers: ClinVar variation 1016661 (VCV001016661.9), dbSNP rs1670315660, ClinGen allele CA341966220.

ClinVar aggregate classification (germline): Uncertain significance (1 of 4 stars; one submission).

Conditions:
Severe myoclonic epilepsy in infancy (DRVT). Also called: Dravet syndrome; Epileptic encephalopathy, early infantile, 6 (Dravet syndrome); SEVERE MYOCLONIC EPILEPSY OF INFANCY; DEVELOPMENTAL AND EPILEPTIC ENCEPHALOPATHY 6A; Severe Myoclonic Epilepsy in Infancy (SMEI). Identifiers: Orphanet 33069, MedGen C0751122, MONDO:0100135, OMIM 607208.

Allele frequency attached by ClinVar (database versions not stated): gnomAD exomes below 0.00001.
gnomAD v4.1: 1 of 1,613,946 alleles (0.000062%); highest among the groups gnomAD compares: Non-Finnish European, 0.000085%; no homozygotes.

Submission:

Labcorp Genetics (formerly Invitae), Labcorp
Classification: Uncertain significance for Severe myoclonic epilepsy in infancy. Last evaluated: 2020-12-24. Review status: criteria provided, single submitter. Criteria: Invitae Variant Classification Sherloc (09022015). Collection method: clinical testing. Allele origin: germline.
Comment: This sequence change replaces threonine with asparagine at codon 356 of the SNX27 protein (p.Thr356Asn). The threonine residue is moderately conserved and there is a small physicochemical difference between threonine and asparagine. This variant is not present in population databases (ExAC no frequency). This variant has not been reported in the literature in individuals with SNX27-related conditions. Algorithms developed to predict the effect of missense changes on protein structure and function are either unavailable or do not agree on the potential impact of this missense change (SIFT: "Deleterious"; PolyPhen-2: "Possibly Damaging"; Align-GVGD: "Class C15"). In summary, the available evidence is currently insufficient to determine the role of this variant in disease. Therefore, it has been classified as a Variant of Uncertain Significance.